The following is an entry in ClinVar:

ClinVar aggregate classification (germline): Uncertain significance (1 of 4 stars; one submission).

Conditions:
Developmental and epileptic encephalopathy, 8 (DEE8). Also called: HYPEREKPLEXIA AND EPILEPSY. Identifiers: Orphanet 163985, Orphanet 2076, MedGen C1845102, MONDO:0010375, OMIM 300607.

Submission:

Labcorp Genetics (formerly Invitae), Labcorp
Classification: Uncertain significance for Developmental and epileptic encephalopathy, 8. Last evaluated: 2021-07-02. Review status: criteria provided, single submitter. Criteria: Invitae Variant Classification Sherloc (09022015). Collection method: clinical testing. Allele origin: germline.
Comment: This sequence change affects the initiator methionine of the ARHGEF9 mRNA. The next in-frame methionine is located at codon 10. The ARHGEF9 gene has multiple clinically relevant transcripts. This variant occurs in alternate transcript NM_001173479.1, and corresponds to NM_015185.2:c.-30833A>G in the primary transcript. The frequency data for this variant in the population databases is considered unreliable, as metrics indicate insufficient coverage at this position in the ExAC database. This variant has not been reported in the literature in individuals affected with ARHGEF9-related conditions. Experimental studies and prediction algorithms are not available or were not evaluated, and the functional significance of this variant is currently unknown. In summary, the available evidence is currently insufficient to determine the role of this variant in disease. Therefore, it has been classified as a Variant of Uncertain Significance.

NM_001353921.2(ARHGEF9):c.1A>G (p.Met1Val)

Gene: ARHGEF9 (Cdc42 guanine nucleotide exchange factor 9; minus strand). Cytogenetic location: Xq11.1.
Variant type: single nucleotide variant.
Coding change: c.1A>G on transcript NM_001353921.2 (MANE Select); coding-DNA position 1, A replaced by G.
Protein change: p.Met1Val; changes the start codon (methionine 1).
Molecular consequence: missense variant, initiator codon variant. On other transcripts: 5 prime UTR variant (2).
Genome position (GRCh38, 1-based): chrX:63,785,145, T>C on the plus strand (A>G on the coding strand, the complement: ARHGEF9 is on the minus strand). VCF-style: chrX-63785145-T-C. GRCh37 (hg19) VCF-style: chrX-63005025-T-C.
Other names: c.1A>G, p.Met1Val (NM_001173479.2, NM_001353922.2); c.-161A>G (NM_001330495.2, NM_001369043.1); short protein forms M1V.
Identifiers: ClinVar variation 1436610 (VCV001436610.7), dbSNP rs2147835608, ClinGen allele CA413405892.